The following is an entry in ClinVar:

ClinVar aggregate classification (germline): Uncertain significance (1 of 4 stars; one submission).

Conditions:
Neuropathy, hereditary sensory and autonomic, type 2A (HSAN2A). Also called: ACROOSTEOLYSIS, GIACCAI TYPE; ACROOSTEOLYSIS, NEUROGENIC; WNK1-Related HSAN2 (HSAN2A); MORVAN DISEASE; NEUROPATHY, CONGENITAL SENSORY; NEUROPATHY, HEREDITARY SENSORY RADICULAR, AUTOSOMAL RECESSIVE. Identifiers: Orphanet 970, MedGen C2752089, MONDO:0024309, OMIM 201300.
Generalized epilepsy with febrile seizures plus, type 7 (GEFSP7). Also called: GEFS+, TYPE 7. Identifiers: Orphanet 36387, MedGen C2751778, MONDO:0013470, OMIM 613863.

Allele frequency attached by ClinVar (database versions not stated): gnomAD exomes below 0.00001.

Submission:

Labcorp Genetics (formerly Invitae), Labcorp
Classification: Uncertain significance for Neuropathy, hereditary sensory and autonomic, type 2A; Generalized epilepsy with febrile seizures plus, type 7. Last evaluated: 2023-03-14. Review status: criteria provided, single submitter. Criteria: Invitae Variant Classification Sherloc (09022015). Collection method: clinical testing. Allele origin: germline.
Comment: Advanced modeling of protein sequence and biophysical properties (such as structural, functional, and spatial information, amino acid conservation, physicochemical variation, residue mobility, and thermodynamic stability) performed at Invitae indicates that this missense variant is not expected to disrupt SCN9A protein function. This sequence change replaces proline, which is neutral and non-polar, with serine, which is neutral and polar, at codon 1349 of the SCN9A protein (p.Pro1349Ser). This variant is present in population databases (no rsID available, gnomAD 0.003%). This variant has not been reported in the literature in individuals affected with SCN9A-related conditions. In summary, the available evidence is currently insufficient to determine the role of this variant in disease. Therefore, it has been classified as a Variant of Uncertain Significance.

NM_001365536.1(SCN9A):c.4078C>T (p.Pro1360Ser)

Genes: SCN9A (sodium voltage-gated channel alpha subunit 9; minus strand), SCN1A-AS1 (SCN1A and SCN9A antisense RNA 1; plus strand). Cytogenetic location: 2q24.3.
Variant type: single nucleotide variant.
Coding change: c.4078C>T on transcript NM_001365536.1 (MANE Select); coding-DNA position 4078, C replaced by T.
Protein change: p.Pro1360Ser; replaces proline 1360 with serine.
Molecular consequence: missense variant.
Genome position (GRCh38, 1-based): chr2:166,228,819, G>A on the plus strand (C>T on the coding strand, the complement: SCN9A is on the minus strand). VCF-style: chr2-166228819-G-A. GRCh37 (hg19) VCF-style: chr2-167085329-G-A.
Other names: c.4045C>T, p.Pro1349Ser (NM_002977.4); short protein forms P1349S, P1360S.
Identifiers: ClinVar variation 2933244 (VCV002933244.3), dbSNP rs1488142230, ClinGen allele CA349063747.